The following is an entry in ClinVar:

ClinVar aggregate classification (germline): Likely pathogenic. Review status: reviewed by expert panel (3 of 4 stars). 3 submissions from 3 submitters: Likely pathogenic (1). 2 of the submissions do not count toward it. Last evaluated 2025-08-05.

Conditions:
Monogenic diabetes. Identifiers: Orphanet 183625, MedGen C3888631, MONDO:0015967.
Maturity-onset diabetes of the young (MODY). Also called: Maturity onset diabetes mellitus in young. Identifiers: Orphanet 552, MedGen C0342276, MONDO:0018911, HP:0004904.
Maturity-onset diabetes of the young type 3. Also called: MODY type 3; MODY, type III. Identifiers: Orphanet 552, MedGen C1838100, MeSH C563933, MONDO:0010894, OMIM 600496. Disease mechanism: loss of function.

Submissions (3):

ClinGen Monogenic Diabetes Variant Curation Expert Panel
Classification: Likely pathogenic for Monogenic diabetes. Last evaluated: 2025-08-05. Review status: reviewed by expert panel. Criteria: ClinGen Diabetes ACMG Specifications HNF1A V3.0.0. Collection method: curation. Allele origin: germline. Inheritance: Autosomal dominant inheritance.
Comment: The c.803T>C variant in the HNF1 homeobox A gene, HNF1A, causes an amino acid change of phenylalanine to serine at codon 268 (p.(Phe268Ser)) of NM_000545.8. This variant is located within the DNA binding domain of HNF1A (codons 201-280), which is defined as critical for the protein’s function by the ClinGen MDEP (PM1_Supporting), and is predicted to be deleterious by computational evidence, with a REVEL score of 0.986 (PP3). This variant is absent from gnomAD v4.1.0 (PM2_Supporting). This variant was identified in four unrelated individuals with non- autoimmune and non-absolute/near-absolute insulin-deficient diabetes (PS4_Moderate; PMID: 27634015, PMID: 15305805, ClinVar ID 36831, internal lab contributors). This variant segregated with diabetes with one informative meioses in a single family; however, this does not meet the thresholds for PP1 set by the ClinGen MDEP (PMID: 27236918, PMID: 15305805). One of these individuals did have a clinical history suggestive of HNF1A-MODY (MODY probability calculator result >50%); however, HNF4A was not tested, so PP4 cannot be applied (internal lab contributors). This variant was identified as a de novo occurrence with confirmed parental relationships in an individual with diabetes, but whose clinical picture is not highly specific for HNF1A-MODY (PS2_Moderate; internal lab contributor). Two other missense variants, c.802T>A p.(Phe268Ile) and c.802T>C p.(Phe268Leu) do not meet the criteria to be classified as likely pathogenic or pathogenic by the ClinGen MDEP without the addition of PM5 from this variant; therefore, PM5 will not be applied. In summary, the evidence supports the classification of c.803T>C as likely pathogenic for monogenic diabetes. ACMG/AMP criteria applied, as specified by the ClinGen MDEP VCEP (specification version 3.0.0, approved 6/30/2025): PS2_Moderate, PS4_Moderate, PP3, PM1_Supporting, PM2_Supporting.

Women's Health and Genetics/Laboratory Corporation of America, LabCorp
Classification: Likely pathogenic for MODY3. Last evaluated: 2011-08-18. Review status: criteria provided, single submitter. Criteria: LabCorp Variant Classification Summary - May 2015. Collection method: curation, clinical testing. Allele origin: germline. Inheritance: autosomal dominant. Affected: yes. Observed: 2 variant alleles. Not counted in ClinVar's aggregate classification.
ClinVar note: Converted during submission from likely pathogenic to Likely pathogenic.

Clinical Genomics, Uppaluri K&H Personalized Medicine Clinic
Classification: Likely pathogenic for Maturity-onset diabetes of the young. Review status: criteria provided, single submitter. Criteria: K & H Uppaluri Personalized Medicine Clinic Variant Classification & Assertion Criteria_Updated V.1. Collection method: research. Allele origin: unknown. Inheritance: Autosomal dominant inheritance. Not counted in ClinVar's aggregate classification.
Comment: Mutations in HNF1A gene can predispose to MODY3. It is associated with both micro and macrovascular complications of diabetes, especially cardiovascular complications. Associated with glucosuria. May respond well to sulfonylureas. Sufficient evidence is found to confer the association of this particular variant rs193922605 with MODY3.

Literature cited by the submitters: PubMed 27634015 (cited by ClinGen Monogenic Diabetes Variant Curation Expert Panel); PubMed 15305805 (cited by 3 submitters).

NM_000545.8(HNF1A):c.803T>C (p.Phe268Ser)

Gene: HNF1A (HNF1 homeobox A; plus strand). Cytogenetic location: 12q24.31.
Variant type: single nucleotide variant.
Coding change: c.803T>C on transcript NM_000545.8 (MANE Select); coding-DNA position 803, T replaced by C.
Protein change: p.Phe268Ser; replaces phenylalanine 268 with serine.
Molecular consequence: missense variant.
Genome position (GRCh38, 1-based): chr12:120,994,253, T>C. VCF-style: chr12-120994253-T-C. GRCh37 (hg19) VCF-style: chr12-121432056-T-C.
Other names: NM_000545.6(HNF1A):c.803T>C; c.803T>C, p.Phe268Ser (NM_001306179.2); short protein forms F268S.
Identifiers: ClinVar variation 36831 (VCV000036831.9), dbSNP rs193922605, ClinGen allele CA214330.